The following is an entry in ClinVar:

ClinVar aggregate classification (germline): Likely pathogenic (1 of 4 stars; one submission).

Conditions:
Werner syndrome (WRN). Identifiers: Orphanet 902, MedGen C0043119, MONDO:0010196, OMIM 277700.

Submission:

Labcorp Genetics (formerly Invitae), Labcorp
Classification: Likely pathogenic for Werner syndrome. Last evaluated: 2024-02-05. Review status: criteria provided, single submitter. Criteria: Invitae Variant Classification Sherloc (09022015). Collection method: clinical testing. Allele origin: germline.
Comment: This sequence change affects an acceptor splice site in intron 9 of the WRN gene. It is expected to disrupt RNA splicing. Variants that disrupt the donor or acceptor splice site typically lead to a loss of protein function (PMID: 16199547), and loss-of-function variants in WRN are known to be pathogenic (PMID: 16673358). This variant is not present in population databases (gnomAD no frequency). This variant has not been reported in the literature in individuals affected with WRN-related conditions. Algorithms developed to predict the effect of sequence changes on RNA splicing suggest that this variant may disrupt the consensus splice site. In summary, the currently available evidence indicates that the variant is pathogenic, but additional data are needed to prove that conclusively. Therefore, this variant has been classified as Likely Pathogenic.

Literature cited by the submitters: PubMed 16199547; PubMed 16673358.

NM_000553.6(WRN):c.1270-1G>A

Gene: WRN (WRN RecQ like helicase; plus strand). Cytogenetic location: 8p12.
Variant type: single nucleotide variant.
Coding change: c.1270-1G>A on transcript NM_000553.6 (MANE Select); the canonical splice acceptor site of the intron before coding-DNA position 1270, G replaced by A.
Molecular consequence: splice acceptor variant.
Genome position (GRCh38, 1-based): chr8:31,083,698, G>A. VCF-style: chr8-31083698-G-A. GRCh37 (hg19) VCF-style: chr8-30941214-G-A.
Identifiers: ClinVar variation 3701435 (VCV003701435.2).
Genomic context (GRCh38, chr8:31,083,698, plus strand): 5'-GCAGAAAAGAGGATATGAAGTCAATTATATTGGAAATTAATGCTTAATACTTTTTTTAAA[G>A]CATTTATCTCCCAATGATAATGAAAACGATACGTCCTATGTAATTGAGAGTGATGAAGAT-3'